The following is an entry in ClinVar:

NM_207111.4(RNF216):c.1646A>G (p.His549Arg)

Gene: RNF216 (ring finger protein 216; minus strand). Cytogenetic location: 7p22.1.
Variant type: single nucleotide variant.
Coding change: c.1646A>G on transcript NM_207111.4 (MANE Select); coding-DNA position 1646, A replaced by G.
Protein change: p.His549Arg; replaces histidine 549 with arginine.
Molecular consequence: missense variant.
Genome position (GRCh38, 1-based): chr7:5,716,765, T>C on the plus strand (A>G on the coding strand, the complement: RNF216 is on the minus strand). VCF-style: chr7-5716765-T-C. GRCh37 (hg19) VCF-style: chr7-5756396-T-C.
Other names: c.1475A>G, p.His492Arg (NM_001377156.1, NM_207116.3); c.1646A>G (NM_207111.3); short protein forms H549R, H492R.
Identifiers: ClinVar variation 2176493 (VCV002176493.5), dbSNP rs748444372, ClinGen allele CA4148106.

ClinVar aggregate classification (germline): Uncertain significance. Review status: criteria provided, multiple submitters, no conflicts (2 of 4 stars). 2 submissions from 2 submitters: Uncertain significance (2). Last evaluated 2025-04-07.

Conditions:
Inborn genetic diseases. Identifiers: MedGen C0950123, MeSH D030342.

Allele frequency attached by ClinVar (database versions not stated): ExAC 0.00001; gnomAD 0.00003; TOPMed 0.00003.
gnomAD v4.1: 23 of 1,605,478 alleles (0.0014%); highest among the groups gnomAD compares: African/African-American, 0.0067%; no homozygotes.

Submissions (2):

Ambry Genetics
Classification: Uncertain significance for Inborn genetic diseases. Last evaluated: 2025-04-07. Review status: criteria provided, single submitter. Criteria: Ambry Variant Classification Scheme 2023. Collection method: clinical testing. Allele origin: germline.

Labcorp Genetics (formerly Invitae), Labcorp
Classification: Uncertain significance. Last evaluated: 2022-09-02. Review status: criteria provided, single submitter. Criteria: Invitae Variant Classification Sherloc (09022015). Collection method: clinical testing. Allele origin: germline.
Comment: In summary, the available evidence is currently insufficient to determine the role of this variant in disease. Therefore, it has been classified as a Variant of Uncertain Significance. Algorithms developed to predict the effect of missense changes on protein structure and function are either unavailable or do not agree on the potential impact of this missense change (SIFT: "Deleterious"; PolyPhen-2: "Benign"; Align-GVGD: "Class C0"). This variant has not been reported in the literature in individuals affected with RNF216-related conditions. This variant is present in population databases (rs748444372, gnomAD 0.01%). This sequence change replaces histidine, which is basic and polar, with arginine, which is basic and polar, at codon 549 of the RNF216 protein (p.His549Arg).